The following is an entry in ClinVar:

ClinVar aggregate classification (germline): Uncertain significance (1 of 4 stars; one submission).

Conditions:
Walker-Warburg congenital muscular dystrophy. Also called: Muscular dystrophy-dystroglycanopathy, type A; Walker-Warburg syndrome. Identifiers: Orphanet 899, MedGen C0265221, MONDO:0000171.

gnomAD v4.1: 3 of 1,495,870 alleles (0.0002%); highest among the groups gnomAD compares: Admixed American, 0.0044%; no homozygotes.

Submission:

Labcorp Genetics (formerly Invitae), Labcorp
Classification: Uncertain significance for Walker-Warburg congenital muscular dystrophy. Last evaluated: 2022-04-19. Review status: criteria provided, single submitter. Criteria: Invitae Variant Classification Sherloc (09022015). Collection method: clinical testing. Allele origin: germline.
Comment: This sequence change replaces arginine, which is basic and polar, with histidine, which is basic and polar, at codon 143 of the FKRP protein (p.Arg143His). The frequency data for this variant in the population databases is considered unreliable, as metrics indicate poor data quality at this position in the gnomAD database. This variant has not been reported in the literature in individuals affected with FKRP-related conditions. Algorithms developed to predict the effect of missense changes on protein structure and function output the following: SIFT: "Deleterious"; PolyPhen-2: "Benign"; Align-GVGD: "Class C0". The histidine amino acid residue is found in multiple mammalian species, which suggests that this missense change does not adversely affect protein function. In summary, the available evidence is currently insufficient to determine the role of this variant in disease. Therefore, it has been classified as a Variant of Uncertain Significance.

NM_024301.5(FKRP):c.428G>A (p.Arg143His)

Gene: FKRP (fukutin related protein; plus strand). Cytogenetic location: 19q13.32.
Variant type: single nucleotide variant.
Coding change: c.428G>A on transcript NM_024301.5 (MANE Select); coding-DNA position 428, G replaced by A.
Protein change: p.Arg143His; replaces arginine 143 with histidine.
Molecular consequence: missense variant.
Genome position (GRCh38, 1-based): chr19:46,755,878, G>A. VCF-style: chr19-46755878-G-A. GRCh37 (hg19) VCF-style: chr19-47259135-G-A.
Other names: c.428G>A, p.Arg143His (NM_001039885.3); short protein forms R143H.
Identifiers: ClinVar variation 2163672 (VCV002163672.1), dbSNP rs1201804052, ClinGen allele CA406495304.